The following is an entry in ClinVar:

ClinVar aggregate classification (germline): Uncertain significance. Review status: criteria provided, multiple submitters, no conflicts (2 of 4 stars). 2 submissions from 2 submitters: Uncertain significance (2). Last evaluated 2025-11-15.

Conditions:
Saldino-Mainzer syndrome (SRTD9). Also called: CONORENAL SYNDROME; SHORT-RIB THORACIC DYSPLASIA 9 WITHOUT POLYDACTYLY; short-rib thoracic dysplasia 9 with or without polydactyly; Renal dysplasia, retinal pigmentary dystrophy, cerebellar ataxia and skeletal dysplasia. Identifiers: Orphanet 140969, MedGen C1849437, MONDO:0009964, OMIM 266920.

Allele frequency attached by ClinVar (database versions not stated): ExAC 0.00002; gnomAD 0.00002; TOPMed 0.00003; ESP Exome Variant Server 0.00008.
gnomAD v4.1: 42 of 1,614,098 alleles (0.0026%); highest among the groups gnomAD compares: Non-Finnish European, 0.0033%; no homozygotes.

Submissions (2):

Labcorp Genetics (formerly Invitae), Labcorp
Classification: Uncertain significance for Saldino-Mainzer syndrome. Last evaluated: 2025-11-15. Review status: criteria provided, single submitter. Criteria: Invitae Variant Classification Sherloc (09022015). Collection method: clinical testing. Allele origin: germline.
Comment: This sequence change replaces aspartic acid, which is acidic and polar, with asparagine, which is neutral and polar, at codon 105 of the IFT140 protein (p.Asp105Asn). This variant is present in population databases (rs376057883, gnomAD 0.0009%). This variant has not been reported in the literature in individuals affected with IFT140-related conditions. ClinVar contains an entry for this variant (Variation ID: 2193488). Invitae Evidence Modeling of protein sequence and biophysical properties (such as structural, functional, and spatial information, amino acid conservation, physicochemical variation, residue mobility, and thermodynamic stability) indicates that this missense variant is not expected to disrupt IFT140 protein function with a negative predictive value of 95%. In summary, the available evidence is currently insufficient to determine the role of this variant in disease. Therefore, it has been classified as a Variant of Uncertain Significance.

Blueprint Genetics
Classification: Uncertain significance. Last evaluated: 2023-02-23. Review status: criteria provided, single submitter. Criteria: ACMG Guidelines, 2015. Collection method: clinical testing. Allele origin: germline.

NM_014714.4(IFT140):c.313G>A (p.Asp105Asn)

Genes: IFT140 (intraflagellar transport 140; minus strand), LOC105371046 (uncharacterized LOC105371046; plus strand). Cytogenetic location: 16p13.3.
Variant type: single nucleotide variant.
Coding change: c.313G>A on transcript NM_014714.4 (MANE Select); coding-DNA position 313, G replaced by A.
Protein change: p.Asp105Asn; replaces aspartic acid 105 with asparagine.
Molecular consequence: missense variant.
Genome position (GRCh38, 1-based): chr16:1,602,426, C>T on the plus strand (G>A on the coding strand, the complement: IFT140 is on the minus strand). VCF-style: chr16-1602426-C-T. GRCh37 (hg19) VCF-style: chr16-1652427-C-T.
Other names: short protein forms D105N.
Identifiers: ClinVar variation 2193488 (VCV002193488.5), dbSNP rs376057883, ClinGen allele CA7814752.